The following is an entry in ClinVar:

ClinVar aggregate classification (germline): Pathogenic (1 of 4 stars; one submission).

Conditions:
Retinoblastoma (RB1). Also called: RETINOBLASTOMA, SOMATIC. Identifiers: Orphanet 790, MedGen C0035335, MeSH D012175, MONDO:0008380, OMIM 180200, HP:0009919. Disease mechanism: loss of function. Inheritance: Both sporadic and heritable forms are tested..

Submission:

Genetic Diagnostic Laboratory, University of Pennsylvania School of Medicine
Classification: Pathogenic for Retinoblastoma. Last evaluated: 2024-05-20. Review status: criteria provided, single submitter. Criteria: ACMG Guidelines, 2015. Collection method: clinical testing. Allele origin: germline. Affected: yes. Observed: 1 variant allele.
Comment: Case and Pedigree Information: BILATERAL CASES:1, UNILATERAL CASES:0, TOTAL CASES:1, PEDIGREES:1. ACMG Codes Applied:PVS1, PM2

NM_000321.3(RB1):c.2531del (p.Lys844fs)

Gene: RB1 (RB transcriptional corepressor 1; plus strand). Cytogenetic location: 13q14.2.
Variant type: Deletion.
Coding change: c.2531del on transcript NM_000321.3 (MANE Select); coding-DNA position 2531, one base deleted (A; older notation c.2531delA).
Protein change: p.Lys844fs; shifts the reading frame from lysine 844.
Molecular consequence: frameshift variant. On other transcripts: 5 prime UTR variant (1).
Genome position (GRCh38, 1-based): chr13:48,476,711, A deleted; the last of 2 consecutive A bases (chr13:48,476,710-48,476,711); deleting either gives the same sequence. VCF-style (leftmost placement, unchanged base first): chr13-48476709-GA-G. GRCh37 (hg19) VCF-style: chr13-49050845-GA-G.
Other names: c.2531del, p.Lys844fs (NM_001407165.1); c.-20del (NM_001407168.1); short protein forms K844fs.
Identifiers: ClinVar variation 3237109 (VCV003237109.1), dbSNP rs2542384239.